The following is an entry in ClinVar:

ClinVar aggregate classification (germline): Uncertain significance. Review status: criteria provided, multiple submitters, no conflicts (2 of 4 stars). 2 submissions from 2 submitters: Uncertain significance (2). Last evaluated 2026-03-04.

Conditions:
ERCC2-related disorder. Also called: ERCC2-related disorders; ERCC2-related conditions; ERCC2-related condition. Identifiers: MedGen CN239291.

Submissions (2):

Myriad Genetics, Inc.
Classification: Uncertain significance for ERCC2-related disorder. Last evaluated: 2026-03-04. Review status: criteria provided, single submitter. Criteria: Myriad Autosomal Dominant, Autosomal Recessive and X-Linked Classification Criteria (2023). Collection method: clinical testing. Allele origin: unknown.
Comment: NM_000400.3(ERCC2):c.615_617delGGT(V206del) is an in-frame deletion classified as a variant of uncertain significance in the context of ERCC2-related disorders. V206del has not been observed in cases with relevant disease. Relevant functional assessments of this variant are not available in the literature. V206del has not been observed in referenced population frequency databases. In summary, there is insufficient evidence to classify NM_000400.3(ERCC2):c.615_617delGGT(V206del) as pathogenic or benign. Please note: this variant was assessed in the context of healthy population screening.

Labcorp Genetics (formerly Invitae), Labcorp
Classification: Uncertain significance. Last evaluated: 2022-08-31. Review status: criteria provided, single submitter. Criteria: Invitae Variant Classification Sherloc (09022015). Collection method: clinical testing. Allele origin: germline.
Comment: This variant, c.615_617del, results in the deletion of 1 amino acid(s) of the ERCC2 protein (p.Val206del), but otherwise preserves the integrity of the reading frame. This variant is not present in population databases (gnomAD no frequency). This variant has not been reported in the literature in individuals affected with ERCC2-related conditions. Experimental studies and prediction algorithms are not available or were not evaluated, and the functional significance of this variant is currently unknown. In summary, the available evidence is currently insufficient to determine the role of this variant in disease. Therefore, it has been classified as a Variant of Uncertain Significance.

NM_000400.4(ERCC2):c.612GGT[1] (p.Val206del)

Gene: ERCC2 (ERCC excision repair 2, TFIIH core complex helicase subunit; minus strand). Cytogenetic location: 19q13.32.
Variant type: Microsatellite.
Coding change: c.612GGT[1] on transcript NM_000400.4 (MANE Select); one copy of the 3-base unit GGT starting at c.612; the reference has two copies in a row; one copy, 3 bases deleted.
Protein change: p.Val206del; deletes valine 206.
Molecular consequence: inframe deletion.
Genome position (GRCh38, 1-based): chr19:45,364,525-45,364,527, ACC deleted on the plus strand (GGT on the coding strand, the reverse complement: ERCC2 is on the minus strand); deleting any 3 consecutive bases within chr19:45,364,525-45,364,532 gives the same sequence; the position shown is the placement nearest the transcript's 3' end. VCF-style (leftmost placement, unchanged base first): chr19-45364524-AACC-A. GRCh37 (hg19) VCF-style: chr19-45867782-AACC-A.
Other names: c.540GGT[1], p.Val182del (NM_001130867.2); short protein forms V182del, V206del.
Identifiers: ClinVar variation 2175580 (VCV002175580.2), dbSNP rs2514032551, ClinGen allele CA2576816509.